The following is an entry in ClinVar:

NM_004036.5(ADCY3):c.2773A>G (p.Met925Val)

Gene: ADCY3 (adenylate cyclase 3; minus strand). Cytogenetic location: 2p23.3.
Variant type: single nucleotide variant.
Coding change: c.2773A>G on transcript NM_004036.5 (MANE Select); coding-DNA position 2773, A replaced by G.
Protein change: p.Met925Val; replaces methionine 925 with valine.
Molecular consequence: missense variant. On other transcripts: intron variant (1).
Genome position (GRCh38, 1-based): chr2:24,823,319, T>C on the plus strand (A>G on the coding strand, the complement: ADCY3 is on the minus strand). VCF-style: chr2-24823319-T-C. GRCh37 (hg19) VCF-style: chr2-25046188-T-C.
Other names: c.2776A>G, p.Met926Val (NM_001320613.2); c.2839A>G, p.Met947Val (NM_001377128.1); c.2635A>G, p.Met879Val (NM_001377129.1); c.2050A>G, p.Met684Val (NM_001377131.1); c.2773A>G, p.Met925Val (NM_001377132.1); c.2332-689A>G (NM_001377130.1); short protein forms M879V, M925V, M926V, M947V, M684V.
Identifiers: ClinVar variation 4994768 (VCV004994768.1).

ClinVar aggregate classification (germline): Uncertain significance (1 of 4 stars; one submission).

Conditions:
ADCY3-related disorder. Also called: ADCY3-related condition.

gnomAD v4.1: 1 of 1,613,858 alleles (0.000062%); highest among the groups gnomAD compares: Non-Finnish European, 0.000085%; no homozygotes.

Submission:

PreventionGenetics, part of Exact Sciences
Classification: Uncertain significance for ADCY3-related condition. Last evaluated: 2025-12-28. Review status: criteria provided, single submitter. Criteria: ACMG Guidelines, 2015. Collection method: clinical testing. Allele origin: germline.
Comment: The ADCY3 c.2776A>G variant is predicted to result in the amino acid substitution p.Met926Val. To our knowledge, this variant has not been reported in the literature or in a large population database (gnomAD), indicating this variant is rare. At this time, the clinical significance of this variant is uncertain due to the absence of conclusive functional and genetic evidence.